The following is an entry in ClinVar:

ClinVar aggregate classification (germline): Pathogenic (1 of 4 stars; one submission).

Submission:

Labcorp Genetics (formerly Invitae), Labcorp
Classification: Pathogenic. Last evaluated: 2020-12-16. Review status: criteria provided, single submitter. Criteria: Invitae Variant Classification Sherloc (09022015). Collection method: clinical testing. Allele origin: germline.
Comment: This sequence change creates a premature translational stop signal (p.Cys722*) in the LRPPRC gene. It is expected to result in an absent or disrupted protein product. Loss-of-function variants in LRPPRC are known to be pathogenic (PMID: 26510951). For these reasons, this variant has been classified as Pathogenic. This variant has not been reported in the literature in individuals with LRPPRC-related conditions. This variant is not present in population databases (ExAC no frequency).

Literature cited by the submitters: PubMed 26510951.

NM_133259.4(LRPPRC):c.2166T>A (p.Cys722Ter)

Gene: LRPPRC (leucine rich pentatricopeptide repeat containing; minus strand). Cytogenetic location: 2p21.
Variant type: single nucleotide variant.
Coding change: c.2166T>A on transcript NM_133259.4 (MANE Select); coding-DNA position 2166, T replaced by A.
Protein change: p.Cys722Ter; replaces cysteine 722 with a stop codon.
Molecular consequence: nonsense.
Genome position (GRCh38, 1-based): chr2:43,946,157, A>T on the plus strand (T>A on the coding strand, the complement: LRPPRC is on the minus strand). VCF-style: chr2-43946157-A-T. GRCh37 (hg19) VCF-style: chr2-44173296-A-T.
Other names: short protein forms C722*.
Identifiers: ClinVar variation 1389688 (VCV001389688.6), dbSNP rs2105082548, ClinGen allele CA346674519.
Genomic context (GRCh38, chr2:43,946,157, plus strand): 5'-GTGCCAGGGTACTCACAATTCTTCTTTCAAGTTCAAGGCATCTTCTACTTTATCATGTCG[A>T]CAGCATAAATTTATTAAAGCTGCATAGCCACCAGTAACCATGTCGGATTCATATTTTGCT-3'